The following is an entry in ClinVar:

ClinVar aggregate classification (germline): Uncertain significance (1 of 4 stars; one submission).

gnomAD v4.1: 4 of 1,613,872 alleles (0.00025%); highest among the groups gnomAD compares: Non-Finnish European, 0.00025%; no homozygotes.

Submission:

Ambry Genetics
Classification: Uncertain significance. Last evaluated: 2025-11-19. Review status: criteria provided, single submitter. Criteria: Ambry Variant Classification Scheme 2023. Collection method: clinical testing. Allele origin: germline.
Comment: The c.295G>A (p.D99N) alteration is located in exon 4 (coding exon 4) of the RBBP5 gene. This alteration results from a G to A substitution at nucleotide position 295, causing the aspartic acid (D) at amino acid position 99 to be replaced by an asparagine (N). Based on data from gnomAD, the A allele has an overall frequency of <0.001% (1/251266) total alleles studied. The highest observed frequency was 0.006% (1/16256) of African alleles. Based on insufficient or conflicting evidence, the clinical significance of this alteration remains unclear.

NM_005057.4(RBBP5):c.295G>A (p.Asp99Asn)

Gene: RBBP5 (RB binding protein 5, histone lysine methyltransferase complex subunit; minus strand). Cytogenetic location: 1q32.1.
Variant type: single nucleotide variant.
Coding change: c.295G>A on transcript NM_005057.4 (MANE Select); coding-DNA position 295, G replaced by A.
Protein change: p.Asp99Asn; replaces aspartic acid 99 with asparagine.
Molecular consequence: missense variant. On other transcripts: 5 prime UTR variant (1).
Genome position (GRCh38, 1-based): chr1:205,105,092, C>T on the plus strand (G>A on the coding strand, the complement: RBBP5 is on the minus strand). VCF-style: chr1-205105092-C-T. GRCh37 (hg19) VCF-style: chr1-205074220-C-T.
Other names: c.295G>A, p.Asp99Asn (NM_001193272.2); c.-87G>A (NM_001193273.2); short protein forms D99N.
Identifiers: ClinVar variation 4576222 (VCV004576222.1).